The following is an entry in ClinVar:

ClinVar aggregate classification (germline): Uncertain significance. Review status: criteria provided, multiple submitters, no conflicts (2 of 4 stars). 2 submissions from 2 submitters: Uncertain significance (2). Last evaluated 2025-10-02.

Conditions:
Spastic paraplegia. Identifiers: MedGen C0037772, HP:0001258.

Allele frequency attached by ClinVar (database versions not stated): gnomAD exomes 0.00001.
gnomAD v4.1: 14 of 1,613,982 alleles (0.00087%); highest among the groups gnomAD compares: East Asian, 0.0022%; no homozygotes.

Submissions (2):

Labcorp Genetics (formerly Invitae), Labcorp
Classification: Uncertain significance for Spastic paraplegia. Last evaluated: 2025-10-02. Review status: criteria provided, single submitter. Criteria: Invitae Variant Classification Sherloc (09022015). Collection method: clinical testing. Allele origin: germline.
Comment: This sequence change replaces glutamic acid, which is acidic and polar, with lysine, which is basic and polar, at codon 720 of the KIF5A protein (p.Glu720Lys). This variant is present in population databases (no rsID available, gnomAD 0.004%). This variant has not been reported in the literature in individuals affected with KIF5A-related conditions. ClinVar contains an entry for this variant (Variation ID: 2712103). Invitae Evidence Modeling of protein sequence and biophysical properties (such as structural, functional, and spatial information, amino acid conservation, physicochemical variation, residue mobility, and thermodynamic stability) has been performed for this missense variant. However, the output from this modeling did not meet the statistical confidence thresholds required to predict the impact of this variant on KIF5A protein function. In summary, the available evidence is currently insufficient to determine the role of this variant in disease. Therefore, it has been classified as a Variant of Uncertain Significance.

Blueprint Genetics
Classification: Uncertain significance. Last evaluated: 2023-10-24. Review status: criteria provided, single submitter. Criteria: ACMG Guidelines, 2015. Collection method: clinical testing. Allele origin: germline.

NM_004984.4(KIF5A):c.2158G>A (p.Glu720Lys)

Gene: KIF5A (kinesin family member 5A; plus strand). Cytogenetic location: 12q13.3.
Variant type: single nucleotide variant.
Coding change: c.2158G>A on transcript NM_004984.4 (MANE Select); coding-DNA position 2158, G replaced by A.
Protein change: p.Glu720Lys; replaces glutamic acid 720 with lysine.
Molecular consequence: missense variant.
Genome position (GRCh38, 1-based): chr12:57,576,338, G>A. VCF-style: chr12-57576338-G-A. GRCh37 (hg19) VCF-style: chr12-57970121-G-A.
Other names: c.1891G>A, p.Glu631Lys (NM_001354705.2); short protein forms E720K, E631K.
Identifiers: ClinVar variation 2712103 (VCV002712103.4), dbSNP rs1457616326, ClinGen allele CA385511339.